The following is an entry in ClinVar:

NM_006514.4(SCN10A):c.125G>A (p.Arg42Lys)

Gene: SCN10A (sodium voltage-gated channel alpha subunit 10; minus strand). Cytogenetic location: 3p22.2.
Variant type: single nucleotide variant.
Coding change: c.125G>A on transcript NM_006514.4 (MANE Select); coding-DNA position 125, G replaced by A.
Protein change: p.Arg42Lys; replaces arginine 42 with lysine.
Molecular consequence: missense variant.
Genome position (GRCh38, 1-based): chr3:38,793,886, C>T on the plus strand (G>A on the coding strand, the complement: SCN10A is on the minus strand). VCF-style: chr3-38793886-C-T. GRCh37 (hg19) VCF-style: chr3-38835377-C-T.
Other names: c.125G>A, p.Arg42Lys (NM_001293306.2, NM_001293307.2); short protein forms R42K.
Identifiers: ClinVar variation 3666993 (VCV003666993.2).

ClinVar aggregate classification (germline): Uncertain significance (1 of 4 stars; one submission).

Conditions:
Brugada syndrome. Also called: Sudden unexpected nocturnal death syndrome; Sudden unexplained nocturnal death syndrome; Sudden Unexplained Death Syndrome; Sudden Unexplained Nocturnal Death Syndrome (SUNDS). Identifiers: Orphanet 130, MedGen C1142166, MONDO:0015263.

gnomAD v4.1: 4 of 1,613,954 alleles (0.00025%); highest among the groups gnomAD compares: African/African-American, 0.0053%; no homozygotes.

Submission:

Labcorp Genetics (formerly Invitae), Labcorp
Classification: Uncertain significance for Brugada syndrome. Last evaluated: 2024-12-12. Review status: criteria provided, single submitter. Criteria: Invitae Variant Classification Sherloc (09022015). Collection method: clinical testing. Allele origin: germline.
Comment: This sequence change replaces arginine, which is basic and polar, with lysine, which is basic and polar, at codon 42 of the SCN10A protein (p.Arg42Lys). This variant is present in population databases (rs780164986, gnomAD 0.01%). This variant has not been reported in the literature in individuals affected with SCN10A-related conditions. Invitae Evidence Modeling of protein sequence and biophysical properties (such as structural, functional, and spatial information, amino acid conservation, physicochemical variation, residue mobility, and thermodynamic stability) indicates that this missense variant is not expected to disrupt SCN10A protein function with a negative predictive value of 95%. In summary, the available evidence is currently insufficient to determine the role of this variant in disease. Therefore, it has been classified as a Variant of Uncertain Significance.